The following is an entry in ClinVar:

ClinVar aggregate classification (germline): Uncertain significance. Review status: criteria provided, multiple submitters, no conflicts (2 of 4 stars). 2 submissions from 2 submitters: Uncertain significance (2). Last evaluated 2025-12-02.

Conditions:
NOTCH3-related disorder. Also called: NOTCH3-related condition; NOTCH3-related disorders.

gnomAD v4.1: 12 of 1,612,838 alleles (0.00074%); highest among the groups gnomAD compares: Non-Finnish European, 0.001%; no homozygotes.

Submissions (2):

Labcorp Genetics (formerly Invitae), Labcorp
Classification: Uncertain significance. Last evaluated: 2025-12-02. Review status: criteria provided, single submitter. Criteria: Invitae Variant Classification Sherloc (09022015). Collection method: clinical testing. Allele origin: germline.
Comment: This sequence change replaces glycine, which is neutral and non-polar, with arginine, which is basic and polar, at codon 715 of the NOTCH3 protein (p.Gly715Arg). This variant is present in population databases (rs770235584, gnomAD 0.006%). This variant has not been reported in the literature in individuals affected with NOTCH3-related conditions. An algorithm developed to predict the effect of missense changes on protein structure and function (PolyPhen-2) suggests that this variant is likely to be disruptive. In summary, the available evidence is currently insufficient to determine the role of this variant in disease. Therefore, it has been classified as a Variant of Uncertain Significance.

PreventionGenetics, part of Exact Sciences
Classification: Uncertain significance for NOTCH3-related condition. Last evaluated: 2025-03-25. Review status: criteria provided, single submitter. Criteria: ACMG Guidelines, 2015. Collection method: clinical testing. Allele origin: germline.
Comment: The NOTCH3 c.2143G>A variant is predicted to result in the amino acid substitution p.Gly715Arg. To our knowledge, this variant has not been reported in the literature. This variant is reported in 0.0054% of alleles in individuals of East Asian descent in gnomAD. At this time, the clinical significance of this variant is uncertain due to the absence of conclusive functional and genetic evidence.

NM_000435.3(NOTCH3):c.2143G>A (p.Gly715Arg)

Gene: NOTCH3 (notch receptor 3; minus strand). Cytogenetic location: 19p13.12.
Variant type: single nucleotide variant.
Coding change: c.2143G>A on transcript NM_000435.3 (MANE Select); coding-DNA position 2143, G replaced by A.
Protein change: p.Gly715Arg; replaces glycine 715 with arginine.
Molecular consequence: missense variant.
Genome position (GRCh38, 1-based): chr19:15,185,488, C>T on the plus strand (G>A on the coding strand, the complement: NOTCH3 is on the minus strand). VCF-style: chr19-15185488-C-T. GRCh37 (hg19) VCF-style: chr19-15296299-C-T.
Other names: c.2143G>A (NM_000435.2); short protein forms G715R.
Identifiers: ClinVar variation 4740549 (VCV004740549.2).